The following is an entry in ClinVar:

NM_001903.5(CTNNA1):c.2692A>T (p.Ser898Cys)

Gene: CTNNA1 (catenin alpha 1; plus strand). Cytogenetic location: 5q31.2.
Variant type: single nucleotide variant.
Coding change: c.2692A>T on transcript NM_001903.5 (MANE Select); coding-DNA position 2692, A replaced by T.
Protein change: p.Ser898Cys; replaces serine 898 with cysteine.
Molecular consequence: missense variant. On other transcripts: 3 prime UTR variant (5).
Genome position (GRCh38, 1-based): chr5:138,934,060, A>T. VCF-style: chr5-138934060-A-T. GRCh37 (hg19) VCF-style: chr5-138269749-A-T.
Other names: c.*237A>T (NM_001290307.3, NM_001324002.1, NM_001324003.1 and 2 more transcripts); c.2383A>T, p.Ser795Cys (NM_001290309.3); c.2323A>T, p.Ser775Cys (NM_001290310.3); c.1582A>T, p.Ser528Cys (NM_001290312.1, NM_001323987.1, NM_001323988.1 and 12 more transcripts); c.2692A>T, p.Ser898Cys (NM_001323982.2, NM_001323983.1, NM_001323984.2); c.2665A>T, p.Ser889Cys (NM_001323985.2); c.2599A>T, p.Ser867Cys (NM_001323986.2); c.1243A>T, p.Ser415Cys (NM_001324006.1, NM_001324007.1, NM_001324008.1 and 2 more transcripts); and 3 more; short protein forms S867C, S889C, S415C, S447C, S898C, S497C, S795C, S483C.
Identifiers: ClinVar variation 2744397 (VCV002744397.3), dbSNP rs776317664, ClinGen allele CA361135783.
Genomic context (GRCh38, chr5:138,934,060, plus strand): 5'-ACACAGACCAAGATTAAACGGGCATCTCAGAAGAAGCACGTGAACCCGGTGCAGGCCCTC[A>T]GCGAGTTCAAAGCTATGGACAGCATCTAAGTCTGCCCAGGCCGGCCGCCCCCACCCCTCG-3'
Protein context (NP_001894.2, residues 888-906): KKHVNPVQAL[Ser898Cys]EFKAMDSI

ClinVar aggregate classification (germline): Uncertain significance (1 of 4 stars; one submission).

Submission:

Labcorp Genetics (formerly Invitae), Labcorp
Classification: Uncertain significance. Last evaluated: 2023-10-04. Review status: criteria provided, single submitter. Criteria: Invitae Variant Classification Sherloc (09022015). Collection method: clinical testing. Allele origin: germline.
Comment: This sequence change replaces serine, which is neutral and polar, with cysteine, which is neutral and slightly polar, at codon 898 of the CTNNA1 protein (p.Ser898Cys). This variant is not present in population databases (gnomAD no frequency). This variant has not been reported in the literature in individuals affected with CTNNA1-related conditions. Advanced modeling of protein sequence and biophysical properties (such as structural, functional, and spatial information, amino acid conservation, physicochemical variation, residue mobility, and thermodynamic stability) has been performed at Invitae for this missense variant, however the output from this modeling did not meet the statistical confidence thresholds required to predict the impact of this variant on CTNNA1 protein function. In summary, the available evidence is currently insufficient to determine the role of this variant in disease. Therefore, it has been classified as a Variant of Uncertain Significance.